The following is an entry in ClinVar:

ClinVar aggregate classification (germline): Likely benign (1 of 4 stars; one submission).

gnomAD v4.1: 1 of 1,614,056 alleles (0.000062%); highest among the groups gnomAD compares: African/African-American, 0.0013%; no homozygotes.

Submission:

CeGaT Center for Human Genetics Tuebingen
Classification: Likely benign. Last evaluated: 2025-07-01. Review status: criteria provided, single submitter. Criteria: CeGaT Center For Human Genetics Tuebingen Variant Classification Criteria Version 2. Collection method: clinical testing. Allele origin: germline. Affected: yes. Observed: 1 variant allele.
Comment: DNAH1: BP4, BP7

NM_015512.5(DNAH1):c.1221T>C (p.Ser407=)

Gene: DNAH1 (dynein axonemal heavy chain 1; plus strand). Cytogenetic location: 3p21.1.
Variant type: single nucleotide variant.
Coding change: c.1221T>C on transcript NM_015512.5 (MANE Select); coding-DNA position 1221, T replaced by C.
Protein change: p.Ser407=; no amino-acid change (serine 407 retained).
Molecular consequence: synonymous variant.
Genome position (GRCh38, 1-based): chr3:52,332,329, T>C. VCF-style: chr3-52332329-T-C. GRCh37 (hg19) VCF-style: chr3-52366345-T-C.
Identifiers: ClinVar variation 4084795 (VCV004084795.8).